The following is an entry in ClinVar:

NM_001371189.2(UNC13B):c.10516A>T (p.Ile3506Phe)

Gene: UNC13B (unc-13 homolog B; plus strand). Cytogenetic location: 9p13.3.
Variant type: single nucleotide variant.
Coding change: c.10516A>T on transcript NM_001371189.2 (MANE Select); coding-DNA position 10516, A replaced by T.
Protein change: p.Ile3506Phe; replaces isoleucine 3506 with phenylalanine.
Molecular consequence: missense variant. On other transcripts: non-coding transcript variant (1).
Genome position (GRCh38, 1-based): chr9:35,381,580, A>T. VCF-style: chr9-35381580-A-T. GRCh37 (hg19) VCF-style: chr9-35381577-A-T.
Other names: NC_000009.11:g.35381577A>T; c.2269A>T, p.Ile757Phe (NM_001330653.3, NM_001371186.2, NM_006377.6); c.3409A>T, p.Ile1137Phe (NM_001371187.2, NM_001387555.1); c.1159A>T, p.Ile387Phe (NM_001371188.2); c.2305A>T, p.Ile769Phe (NM_001387551.1); c.2122A>T, p.Ile708Phe (NM_001387553.1, NM_001387554.1); short protein forms I1137F, I3506F, I387F, I708F, I757F, I769F.
Identifiers: ClinVar variation 2659175 (VCV002659175.25), dbSNP rs188569841, ClinGen allele CA5042583.

ClinVar aggregate classification (germline): Likely benign (1 of 4 stars; one submission).

Allele frequency attached by ClinVar (database versions not stated): TOPMed 0.00004; 1000 Genomes Project 30x 0.00047; gnomAD exomes 0.00051; 1000 Genomes Project 0.00060; gnomAD 0.00088; ExAC 0.00095.
gnomAD v4.1: 865 of 1,614,076 alleles (0.054%); highest among the groups gnomAD compares: Non-Finnish European, 0.011%; 5 homozygotes.

Submissions (3):

CeGaT Center for Human Genetics Tuebingen
Classification: Likely benign. Last evaluated: 2022-07-01. Review status: criteria provided, single submitter. Criteria: CeGaT Center For Human Genetics Tuebingen Variant Classification Criteria Version 2. Collection method: clinical testing. Allele origin: germline. Affected: yes. Observed: 1 variant allele.
Comment: UNC13B: BP4, BS2

Dr. Peter K. Rogan Lab, Western University
No classification provided (evidence only). Condition: Colon adenocarcinoma. Review status: no classification provided. Collection method: in vitro. Allele origin: not applicable. Functional consequence: retained intron. Not counted in ClinVar's aggregate classification.

Dr. Peter K. Rogan Lab, Western University
No classification provided (evidence only). Condition: Malignant tumor of esophagus. Review status: no classification provided. Collection method: in vitro. Allele origin: not applicable. Functional consequence: retained intron. Not counted in ClinVar's aggregate classification.